The following is an entry in ClinVar:

ClinVar aggregate classification (germline): Uncertain significance (1 of 4 stars; one submission).

Conditions:
Intellectual disability, X-linked, with or without seizures, ARX-related. Also called: MENTAL RETARDATION, X-LINKED 29; MENTAL RETARDATION, X-LINKED 32; MENTAL RETARDATION, X-LINKED 33; MENTAL RETARDATION, X-LINKED 38; MENTAL RETARDATION, X-LINKED 43; MENTAL RETARDATION, X-LINKED 76. Identifiers: Orphanet 777, MedGen C0796244, MONDO:0010317, OMIM 300419.
Developmental and epileptic encephalopathy, 1 (DEE1). Also called: Epileptic encephalopathy, early infantile, 1; INFANTILE SPASM SYNDROME, X-LINKED 1; X-linked infantile spasms; West's syndrome; Tonic spasms with clustering, arrest of psychomotor development and hypsarrhythmia on EEG; X-Linked Infantile Spasm Syndrome. Identifiers: MedGen C3463992, MONDO:0010632, OMIM 308350. Disease mechanism: loss of function.

Submission:

Labcorp Genetics (formerly Invitae), Labcorp
Classification: Uncertain significance for Developmental and epileptic encephalopathy, 1; Intellectual disability, X-linked, with or without seizures, ARX-related. Last evaluated: 2023-11-27. Review status: criteria provided, single submitter. Criteria: Invitae Variant Classification Sherloc (09022015). Collection method: clinical testing. Allele origin: germline.
Comment: This sequence change replaces lysine, which is basic and polar, with glutamic acid, which is acidic and polar, at codon 540 of the ARX protein (p.Lys540Glu). This variant is not present in population databases (gnomAD no frequency). This variant has not been reported in the literature in individuals affected with ARX-related conditions. ClinVar contains an entry for this variant (Variation ID: 1016456). Advanced modeling of protein sequence and biophysical properties (such as structural, functional, and spatial information, amino acid conservation, physicochemical variation, residue mobility, and thermodynamic stability) has been performed at Invitae for this missense variant, however the output from this modeling did not meet the statistical confidence thresholds required to predict the impact of this variant on ARX protein function. In summary, the available evidence is currently insufficient to determine the role of this variant in disease. Therefore, it has been classified as a Variant of Uncertain Significance.

NM_139058.3(ARX):c.1618A>G (p.Lys540Glu)

Gene: ARX (aristaless related homeobox; minus strand). Cytogenetic location: Xp21.3.
Variant type: single nucleotide variant.
Coding change: c.1618A>G on transcript NM_139058.3 (MANE Select); coding-DNA position 1618, A replaced by G.
Protein change: p.Lys540Glu; replaces lysine 540 with glutamic acid.
Molecular consequence: missense variant.
Genome position (GRCh38, 1-based): chrX:25,004,741, T>C on the plus strand (A>G on the coding strand, the complement: ARX is on the minus strand). VCF-style: chrX-25004741-T-C. GRCh37 (hg19) VCF-style: chrX-25022858-T-C.
Other names: short protein forms K540E.
Identifiers: ClinVar variation 1016456 (VCV001016456.9), dbSNP rs2048669310, ClinGen allele CA412610639.